The following is an entry in ClinVar:

ClinVar aggregate classification (germline): Likely pathogenic (1 of 4 stars; one submission).

Conditions:
Dilated cardiomyopathy 1G (CMD1G). Identifiers: Orphanet 154, MedGen C1858763, MONDO:0011400, OMIM 604145.
Autosomal recessive limb-girdle muscular dystrophy type 2J (LGMDR10). Also called: Limb-girdle muscular dystrophy, type 2J; MUSCULAR DYSTROPHY, LIMB-GIRDLE, AUTOSOMAL RECESSIVE 10. Identifiers: Orphanet 140922, MedGen C1837342, MONDO:0012127, OMIM 608807.

Submission:

Labcorp Genetics (formerly Invitae), Labcorp
Classification: Likely pathogenic for Dilated cardiomyopathy 1G; Autosomal recessive limb-girdle muscular dystrophy type 2J. Last evaluated: 2024-09-27. Review status: criteria provided, single submitter. Criteria: Invitae Variant Classification Sherloc (09022015). Collection method: clinical testing. Allele origin: germline.
Comment: This sequence change creates a premature translational stop signal (p.Glu34341*) in the TTN gene. While this is not anticipated to result in nonsense mediated decay, it is expected to create a truncated TTN protein. This variant is not present in population databases (gnomAD no frequency). This variant has not been reported in the literature in individuals affected with TTN-related conditions. This variant is located in the M band of TTN (PMID: 25589632). Truncating variants in this region have been previously reported in individuals affected with autosomal recessive myopathy and muscular dystrophy (PMID: 18948003, 23975875, 24395473). Truncating variants in this region have also been identified in individuals affected with autosomal dominant dilated cardiomyopathy and/or cardio-related conditions (PMID: 27869827, 32964742, internal data). In summary, the currently available evidence indicates that the variant is pathogenic, but additional data are needed to prove that conclusively. Therefore, this variant has been classified as Likely Pathogenic.

Literature cited by the submitters: PubMed 25589632; PubMed 18948003; PubMed 23975875; PubMed 24395473; PubMed 27869827; PubMed 32964742.

NM_001267550.2(TTN):c.103021G>T (p.Glu34341Ter)

Genes: TTN-AS1 (TTN antisense RNA 1; plus strand), TTN (titin; minus strand). Cytogenetic location: 2q31.2.
Variant type: single nucleotide variant.
Coding change: c.103021G>T on transcript NM_001267550.2 (MANE Select); coding-DNA position 103021, G replaced by T.
Protein change: p.Glu34341Ter; replaces glutamic acid 34341 with a stop codon.
Molecular consequence: nonsense.
Genome position (GRCh38, 1-based): chr2:178,533,594, C>A on the plus strand (G>T on the coding strand, the complement: TTN is on the minus strand). VCF-style: chr2-178533594-C-A. GRCh37 (hg19) VCF-style: chr2-179398321-C-A.
Other names: c.98098G>T, p.Glu32700Ter (NM_001256850.1); c.75826G>T, p.Glu25276Ter (NM_003319.4); c.95317G>T, p.Glu31773Ter (NM_133378.4); c.76201G>T, p.Glu25401Ter (NM_133432.3); c.76402G>T, p.Glu25468Ter (NM_133437.4); short protein forms E25468*, E31773*, E34341*, E25401*, E32700*, E25276*.
Identifiers: ClinVar variation 2944606 (VCV002944606.3), dbSNP rs2468499757, ClinGen allele CA349415472.